The following is an entry in ClinVar:

NM_001366145.2(TRPM3):c.809G>A (p.Arg270Gln)

Gene: TRPM3 (transient receptor potential cation channel subfamily M member 3; minus strand). Cytogenetic location: 9q21.12.
Variant type: single nucleotide variant.
Coding change: c.809G>A on transcript NM_001366145.2 (MANE Select); coding-DNA position 809, G replaced by A.
Protein change: p.Arg270Gln; replaces arginine 270 with glutamine.
Molecular consequence: missense variant.
Genome position (GRCh38, 1-based): chr9:70,828,011, C>T on the plus strand (G>A on the coding strand, the complement: TRPM3 is on the minus strand). VCF-style: chr9-70828011-C-T. GRCh37 (hg19) VCF-style: chr9-73442927-C-T.
Other names: c.350G>A, p.Arg117Gln (NM_001007470.3, NM_001366154.2, NM_020952.6 and 6 more transcripts); c.809G>A, p.Arg270Gln (NM_001007471.4, NM_001366146.2, NM_001366147.2 and 6 more transcripts); c.815G>A, p.Arg272Gln (NM_001366141.2, NM_001366142.2, NM_001366143.2 and 1 more transcripts); c.809G>A (NM_001007471.2); short protein forms R117Q, R270Q, R272Q.
Identifiers: ClinVar variation 1695563 (VCV001695563.4), dbSNP rs1349405538, ClinGen allele CA373564111.

ClinVar aggregate classification (germline): Uncertain significance. Review status: criteria provided, multiple submitters, no conflicts (2 of 4 stars). 2 submissions from 2 submitters: Uncertain significance (2). Last evaluated 2024-08-04.

Conditions:
Inborn genetic diseases. Identifiers: MedGen C0950123, MeSH D030342.

Submissions (2):

Ambry Genetics
Classification: Uncertain significance for Inborn genetic diseases. Last evaluated: 2024-08-04. Review status: criteria provided, single submitter. Criteria: Ambry Variant Classification Scheme 2023. Collection method: clinical testing. Allele origin: germline.

GeneDx
Classification: Uncertain significance. Last evaluated: 2022-11-08. Review status: criteria provided, single submitter. Criteria: GeneDx Variant Classification Process June 2021. Collection method: clinical testing. Allele origin: germline. Affected: yes.
Comment: Not observed at significant frequency in large population cohorts (gnomAD); In silico analysis supports that this missense variant has a deleterious effect on protein structure/function; Has not been previously published as pathogenic or benign to our knowledge